The following is an entry in ClinVar:

ClinVar aggregate classification (germline): Uncertain significance. Review status: criteria provided, multiple submitters, no conflicts (2 of 4 stars). 2 submissions from 2 submitters: Uncertain significance (2). Last evaluated 2025-08-11.

Conditions:
Corticosterone 18-monooxygenase deficiency. Also called: STEROID 18-HYDROXYLASE DEFICIENCY; 18 Hydroxylase deficiency; Aldosterone deficiency due to defect in 18 hydroxylase; Aldosterone deficiency 1; 18 alpha hydroxylase deficiency; Corticosterone methyloxidase type 1 deficiency. Identifiers: Orphanet 427, MedGen C0268293, MONDO:0008751, OMIM 203400. Disease mechanism: loss of function.
Corticosterone methyloxidase type 2 deficiency. Also called: STEROID 18-OXIDASE DEFICIENCY; 18-OXIDASE DEFICIENCY; ALDOSTERONE DEFICIENCY DUE TO DEFICIENCY OF STEROID 18-OXIDASE; ALDOSTERONE DEFICIENCY II; CMO II DEFICIENCY. Identifiers: Orphanet 427, MedGen C3463917, MONDO:0012524, OMIM 610600. Disease mechanism: loss of function.

Allele frequency attached by ClinVar (database versions not stated): ExAC 0.00009; gnomAD 0.00011; TOPMed 0.00011; gnomAD exomes 0.00018.

Submissions (2):

Labcorp Genetics (formerly Invitae), Labcorp
Classification: Uncertain significance. Last evaluated: 2025-08-11. Review status: criteria provided, single submitter. Criteria: Invitae Variant Classification Sherloc (09022015). Collection method: clinical testing. Allele origin: germline.
Comment: This sequence change replaces tyrosine, which is neutral and polar, with cysteine, which is neutral and slightly polar, at codon 275 of the CYP11B2 protein (p.Tyr275Cys). This variant is present in population databases (rs759520840, gnomAD 0.02%). This variant has not been reported in the literature in individuals affected with CYP11B2-related conditions. ClinVar contains an entry for this variant (Variation ID: 2052843). Invitae Evidence Modeling of protein sequence and biophysical properties (such as structural, functional, and spatial information, amino acid conservation, physicochemical variation, residue mobility, and thermodynamic stability) has been performed for this missense variant. However, the output from this modeling did not meet the statistical confidence thresholds required to predict the impact of this variant on CYP11B2 protein function. In summary, the available evidence is currently insufficient to determine the role of this variant in disease. Therefore, it has been classified as a Variant of Uncertain Significance.

Fulgent Genetics
Classification: Uncertain significance for Corticosterone 18-monooxygenase deficiency; Corticosterone methyloxidase type 2 deficiency. Last evaluated: 2024-02-20. Review status: criteria provided, single submitter. Criteria: ACMG Guidelines, 2015. Collection method: clinical testing. Allele origin: germline.

NM_000498.3(CYP11B2):c.824A>G (p.Tyr275Cys)

Genes: CYP11B2 (cytochrome P450 family 11 subfamily B member 2; minus strand), LOC106799834 (CYP11B2 recombination region; plus strand). Cytogenetic location: 8q24.3.
Variant type: single nucleotide variant.
Coding change: c.824A>G on transcript NM_000498.3 (MANE Select); coding-DNA position 824, A replaced by G.
Protein change: p.Tyr275Cys; replaces tyrosine 275 with cysteine.
Molecular consequence: missense variant.
Genome position (GRCh38, 1-based): chr8:142,914,394, T>C on the plus strand (A>G on the coding strand, the complement: CYP11B2 is on the minus strand). VCF-style: chr8-142914394-T-C. GRCh37 (hg19) VCF-style: chr8-143995810-T-C.
Other names: short protein forms Y275C.
Identifiers: ClinVar variation 2052843 (VCV002052843.3), dbSNP rs759520840, ClinGen allele CA4906059.